The following is an entry in ClinVar:

NM_000161.3(GCH1):c.693G>C (p.Leu231Phe)

Gene: GCH1 (GTP cyclohydrolase 1; minus strand). Cytogenetic location: 14q22.2.
Variant type: single nucleotide variant.
Coding change: c.693G>C on transcript NM_000161.3 (MANE Select); coding-DNA position 693, G replaced by C.
Protein change: p.Leu231Phe; replaces leucine 231 with phenylalanine.
Molecular consequence: missense variant. On other transcripts: intron variant (3).
Genome position (GRCh38, 1-based): chr14:54,844,077, C>G on the plus strand (G>C on the coding strand, the complement: GCH1 is on the minus strand). VCF-style: chr14-54844077-C-G. GRCh37 (hg19) VCF-style: chr14-55310795-C-G.
Other names: c.693G>C, p.Leu231Phe (NM_001024024.2); c.399G>C, p.Leu133Phe (NM_001424105.1); c.510-1023G>C (NM_001424104.1); c.627-1023G>C (NM_001024071.2); c.627-208G>C (NM_001024070.2); short protein forms L133F, L231F.
Identifiers: ClinVar variation 3385121 (VCV003385121.1).

ClinVar aggregate classification (germline): Uncertain significance (1 of 4 stars; one submission).

Submission:

Women's Health and Genetics/Laboratory Corporation of America, LabCorp
Classification: Uncertain significance. Last evaluated: 2024-10-23. Review status: criteria provided, single submitter. Criteria: LabCorp Variant Classification Summary - May 2015. Collection method: clinical testing. Allele origin: germline.
Comment: Variant summary: GCH1 c.693G>C (p.Leu231Phe) results in a non-conservative amino acid change located in the GTP cyclohydrolase I domain (IPR020602) of the encoded protein sequence. Four of five in-silico tools predict a damaging effect of the variant on protein function. The variant was absent in 248972 control chromosomes (gnomAD). The available data on variant occurrences in the general population are insufficient to allow any conclusion about variant significance. c.693G>C has been reported in the literature in one individual affected with Dystonia 5 as well as in one control (Pan_2020, Li_2021). These reports do not provide unequivocal conclusions about association of the variant with Dystonia 5. To our knowledge, no experimental evidence demonstrating an impact on protein function has been reported. The following publications have been ascertained in the context of this evaluation (PMID: 34054692, 32746945). No submitters have cited clinical-significance assessments for this variant to ClinVar. Based on the evidence outlined above, the variant was classified as uncertain significance.

Literature cited by the submitters: PubMed 34054692; PubMed 32746945.